The following is an entry in ClinVar:

ClinVar aggregate classification (germline): Likely pathogenic (1 of 4 stars; one submission).

Submission:

Athena Diagnostics
Classification: Likely pathogenic. Last evaluated: 2024-04-03. Review status: criteria provided, single submitter. Criteria: Athena Diagnostics Criteria. Collection method: clinical testing. Allele origin: unknown.
Comment: This variant is expected to result in the loss of a functional protein. This variant has not been reported in large, multi-ethnic general populations.

NM_182961.4(SYNE1):c.9445_9446dup (p.Ala3150fs)

Gene: SYNE1 (spectrin repeat containing nuclear envelope protein 1; minus strand). Cytogenetic location: 6q25.2.
Variant type: Duplication.
Coding change: c.9445_9446dup on transcript NM_182961.4 (MANE Select); coding-DNA positions 9445 to 9446, 2 bases duplicated (GC; older notation c.9445_9446dupGC).
Protein change: p.Ala3150fs; shifts the reading frame from alanine 3150.
Molecular consequence: frameshift variant.
Genome position (GRCh38, 1-based): chr6:152,373,098-152,373,099, GC duplicated on the plus strand (GC on the coding strand, the reverse complement: SYNE1 is on the minus strand). VCF-style (leftmost placement, unchanged base first): chr6-152373097-A-AGC. GRCh37 (hg19) VCF-style: chr6-152694232-A-AGC.
Other names: c.9466_9467dup, p.Ala3157fs (NM_033071.5); short protein forms A3150fs, A3157fs.
Identifiers: ClinVar variation 3571990 (VCV003571990.1).
Genomic context (GRCh38, chr6:152,373,097, plus strand): 5'-CTCTAGAGCAGATTCTTTTTGGTGGAGATTTGAATGAAAATTTTTCCAATCTTCTTTTGC[A>AGC]GCTGTAACTTTGGCCTGGATCCCTTTCGCTTTCTCTTTGGTCAGCAGGGTACTCAGAAGT-3'